The following is an entry in ClinVar:

NM_001083962.2(TCF4):c.35C>T (p.Thr12Met)

Gene: TCF4 (transcription factor 4; minus strand). Cytogenetic location: 18q21.2.
Variant type: single nucleotide variant.
Coding change: c.35C>T on transcript NM_001083962.2 (MANE Select); coding-DNA position 35, C replaced by T.
Protein change: p.Thr12Met; replaces threonine 12 with methionine.
Molecular consequence: missense variant. On other transcripts: intron variant (12).
Genome position (GRCh38, 1-based): chr18:55,587,082, G>A on the plus strand (C>T on the coding strand, the complement: TCF4 is on the minus strand). VCF-style: chr18-55587082-G-A. GRCh37 (hg19) VCF-style: chr18-53254313-G-A.
Other names: c.341C>T, p.Thr114Met (NM_001243226.3); c.35C>T, p.Thr12Met (NM_001243228.2, NM_001330604.3, NM_001369567.1 and 8 more transcripts); c.1-1730C>T (NM_001369584.1, NM_001369576.1, NM_001369577.1 and 3 more transcripts); c.66+1388C>T (NM_001243230.2); c.-1+956C>T (NM_001369585.1, NM_001369578.1, NM_001369579.1 and 2 more transcripts); short protein forms T114M, T12M.
Identifiers: ClinVar variation 1699939 (VCV001699939.3), dbSNP rs2147880798, ClinGen allele CA402704438.

ClinVar aggregate classification (germline): Uncertain significance. Review status: criteria provided, single submitter (1 of 4 stars). 2 submissions from 2 submitters: Uncertain significance (1). 1 of the submissions does not count toward it. Last evaluated 2024-05-18.

Conditions:
Pitt-Hopkins syndrome (PTHS). Also called: ENCEPHALOPATHY, SEVERE EPILEPTIC, WITH AUTONOMIC DYSFUNCTION; MENTAL RETARDATION, SYNDROMAL, WITH INTERMITTENT HYPERVENTILATION. Identifiers: Orphanet 2896, MedGen C1970431, MONDO:0012589, OMIM 610954.
Seizure. Also called: Seizures. Identifiers: MedGen C0036572, HP:0001250.

Submissions (2):

Labcorp Genetics (formerly Invitae), Labcorp
Classification: Uncertain significance for Pitt-Hopkins syndrome. Last evaluated: 2024-05-18. Review status: criteria provided, single submitter. Criteria: Invitae Variant Classification Sherloc (09022015). Collection method: clinical testing. Allele origin: germline.
Comment: This sequence change replaces threonine, which is neutral and polar, with methionine, which is neutral and non-polar, at codon 12 of the TCF4 protein (p.Thr12Met). This variant is not present in population databases (gnomAD no frequency). This variant has not been reported in the literature in individuals affected with TCF4-related conditions. ClinVar contains an entry for this variant (Variation ID: 1699939). Advanced modeling of protein sequence and biophysical properties (such as structural, functional, and spatial information, amino acid conservation, physicochemical variation, residue mobility, and thermodynamic stability) performed at Invitae indicates that this missense variant is not expected to disrupt TCF4 protein function with a negative predictive value of 95%. In summary, the available evidence is currently insufficient to determine the role of this variant in disease. Therefore, it has been classified as a Variant of Uncertain Significance.

Cytogénomique, Hospices Civils de Lyon
Classification: Likely benign for Seizure. Last evaluated: 2022-08-03. Review status: no assertion criteria provided. Collection method: clinical testing. Allele origin: maternal. Affected: yes. Observed: 1 variant allele, 1 heterozygote. Not counted in ClinVar's aggregate classification.